The following is an entry in ClinVar:

ClinVar aggregate classification (germline): Likely pathogenic (1 of 4 stars; one submission).

Conditions:
Intervertebral disc disorder (IDD). Also called: Lumbar disk degenerative disorder; INTERVERTEBRAL DISC DISEASE. Identifiers: MedGen C0158252, MONDO:0044339, OMIM 603932.

Submission:

Neuberg Centre For Genomic Medicine, NCGM
Classification: Likely pathogenic for Intervertebral disc disorder. Review status: criteria provided, single submitter. Criteria: ACMG Guidelines, 2015. Collection method: clinical testing. Allele origin: germline. Affected: yes.
Comment: Many splice-site mutations in COL11A1 related to Marshall, Stickler syndrome and Fibrochondrogenesis have been reported (Guo, L., et al. 2017).

NM_001854.4(COL11A1):c.2196+1G>A

Gene: COL11A1 (collagen type XI alpha 1 chain; minus strand). Cytogenetic location: 1p21.1.
Variant type: single nucleotide variant.
Coding change: c.2196+1G>A on transcript NM_001854.4 (MANE Select); the canonical splice donor site of the intron after coding-DNA position 2196, G replaced by A.
Molecular consequence: splice donor variant.
Genome position (GRCh38, 1-based): chr1:102,998,309, C>T on the plus strand (G>A on the coding strand, the complement: COL11A1 is on the minus strand). VCF-style: chr1-102998309-C-T. GRCh37 (hg19) VCF-style: chr1-103463865-C-T.
Other names: c.2079+1G>A (NM_001190709.2); c.2232+1G>A (NM_080629.3); c.1848+1G>A (NM_080630.4).
Identifiers: ClinVar variation 4086151 (VCV004086151.1).